The following is an entry in ClinVar:

ClinVar aggregate classification (germline): Pathogenic (1 of 4 stars; one submission).

Conditions:
Abetalipoproteinaemia (ABL). Also called: MTP DEFICIENCY; Abetalipoproteinemia; Abetalipoproteinemia neuropathy; Apolipoprotein B deficiency; Congenital betalipoprotein deficiency syndrome. Identifiers: Orphanet 14, MedGen C0000744, MONDO:0008692, OMIM 200100, HP:0008181.

Submission:

Myriad Genetics, Inc.
Classification: Pathogenic for Abetalipoproteinaemia. Last evaluated: 2024-11-20. Review status: criteria provided, single submitter. Criteria: Myriad Autosomal Dominant, Autosomal Recessive and X-Linked Classification Criteria (2023). Collection method: clinical testing. Allele origin: unknown.
Comment: NM_000253.2(MTTP):c.700G>T(E234*) is expected to be pathogenic in the context of abetalipoproteinemia. This variant is predicted to lead to an abnormal or absent protein product due to the creation of a premature termination codon in MTTP, a gene where loss-of-function variants are known to be pathogenic. Please note: this variant was assessed in the context of healthy population screening.

NM_001386140.1(MTTP):c.700G>T (p.Glu234Ter)

Gene: MTTP (microsomal triglyceride transfer protein; plus strand). Cytogenetic location: 4q23.
Variant type: single nucleotide variant.
Coding change: c.700G>T on transcript NM_001386140.1 (MANE Select); coding-DNA position 700, G replaced by T.
Protein change: p.Glu234Ter; replaces glutamic acid 234 with a stop codon.
Molecular consequence: nonsense.
Genome position (GRCh38, 1-based): chr4:99,591,732, G>T. VCF-style: chr4-99591732-G-T. GRCh37 (hg19) VCF-style: chr4-100512889-G-T.
Other names: c.700G>T, p.Glu234Ter (NM_000253.4); c.451G>T, p.Glu151Ter (NM_001300785.2); short protein forms E151*, E234*.
Identifiers: ClinVar variation 5013775 (VCV005013775.1).